The following is an entry in ClinVar:

NM_001244926.2(PRPF4):c.644A>G (p.Lys215Arg)

Gene: PRPF4 (pre-mRNA splicing tri-snRNP complex factor PRPF4; plus strand). Cytogenetic location: 9q32.
Variant type: single nucleotide variant.
Coding change: c.644A>G on transcript NM_001244926.2 (MANE Select); coding-DNA position 644, A replaced by G.
Protein change: p.Lys215Arg; replaces lysine 215 with arginine.
Molecular consequence: missense variant. On other transcripts: 5 prime UTR variant (2), non-coding transcript variant (2).
Genome position (GRCh38, 1-based): chr9:113,283,472, A>G. VCF-style: chr9-113283472-A-G. GRCh37 (hg19) VCF-style: chr9-116045752-A-G.
Other names: c.-122A>G (NM_001322266.2, NM_001322267.2); c.647A>G, p.Lys216Arg (NM_004697.5); short protein forms K215R, K216R.
Identifiers: ClinVar variation 1007078 (VCV001007078.9), dbSNP rs1832344672, ClinGen allele CA374553283.

ClinVar aggregate classification (germline): Uncertain significance (1 of 4 stars; one submission).

Allele frequency attached by ClinVar (database versions not stated): gnomAD exomes below 0.00001; gnomAD 0.00001.

Submission:

Labcorp Genetics (formerly Invitae), Labcorp
Classification: Uncertain significance. Last evaluated: 2020-01-17. Review status: criteria provided, single submitter. Criteria: Invitae Variant Classification Sherloc (09022015). Collection method: clinical testing. Allele origin: germline.
Comment: In summary, the available evidence is currently insufficient to determine the role of this variant in disease. Therefore, it has been classified as a Variant of Uncertain Significance. Algorithms developed to predict the effect of missense changes on protein structure and function (SIFT, PolyPhen-2, Align-GVGD) all suggest that this variant is likely to be tolerated, but these predictions have not been confirmed by published functional studies and their clinical significance is uncertain. This variant has not been reported in the literature in individuals with PRPF4-related conditions. This variant is not present in population databases (ExAC no frequency). This sequence change replaces lysine with arginine at codon 216 of the PRPF4 protein (p.Lys216Arg). The lysine residue is highly conserved and there is a small physicochemical difference between lysine and arginine.